The following is an entry in ClinVar:

NM_004380.3(CREBBP):c.2881-22A>C

Gene: CREBBP (CREB binding lysine acetyltransferase; minus strand). Cytogenetic location: 16p13.3.
Variant type: single nucleotide variant.
Coding change: c.2881-22A>C on transcript NM_004380.3 (MANE Select); 22 bases into the intron before coding-DNA position 2881, A replaced by C.
Molecular consequence: intron variant.
Genome position (GRCh38, 1-based): chr16:3,769,375, T>G on the plus strand (A>C on the coding strand, the complement: CREBBP is on the minus strand). VCF-style: chr16-3769375-T-G. GRCh37 (hg19) VCF-style: chr16-3819376-T-G.
Other names: c.2767-22A>C (NM_001079846.1).
Identifiers: ClinVar variation 4994318 (VCV004994318.1).

ClinVar aggregate classification (germline): Likely benign (1 of 4 stars; one submission).

Conditions:
CREBBP-related disorder. Also called: CREBBP-related disorders; CREBBP-related condition.

Submission:

PreventionGenetics, part of Exact Sciences
Classification: Likely benign for CREBBP-related condition. Last evaluated: 2025-12-02. Review status: criteria provided, single submitter. Criteria: ACMG Guidelines, 2015. Collection method: clinical testing. Allele origin: germline.
Comment: This variant is classified as likely benign based on ACMG/AMP sequence variant interpretation guidelines (Richards et al. 2015 PMID: 25741868, with internal and published modifications).